The following is an entry in ClinVar:

NM_001199397.3(NEK1):c.1816A>G (p.Lys606Glu)

Gene: NEK1 (NIMA related kinase 1; minus strand). Cytogenetic location: 4q33.
Variant type: single nucleotide variant.
Coding change: c.1816A>G on transcript NM_001199397.3 (MANE Select); coding-DNA position 1816, A replaced by G.
Protein change: p.Lys606Glu; replaces lysine 606 with glutamic acid.
Molecular consequence: missense variant. On other transcripts: non-coding transcript variant (1).
Genome position (GRCh38, 1-based): chr4:169,508,265, T>C on the plus strand (A>G on the coding strand, the complement: NEK1 is on the minus strand). VCF-style: chr4-169508265-T-C. GRCh37 (hg19) VCF-style: chr4-170429416-T-C.
Other names: c.1684A>G, p.Lys562Glu (NM_001199398.3); c.1525A>G, p.Lys509Glu (NM_001199399.3); c.1600A>G, p.Lys534Glu (NM_001199400.3); c.1816A>G, p.Lys606Glu (NM_001374418.1); c.1732A>G, p.Lys578Glu (NM_001374419.1, NM_012224.4); c.1681A>G, p.Lys561Glu (NM_001374420.1); c.1606A>G, p.Lys536Glu (NM_001374421.1); short protein forms K561E, K606E, K534E, K536E, K562E, K509E, K578E.
Identifiers: ClinVar variation 2146569 (VCV002146569.4), dbSNP rs200676072, ClinGen allele CA3137630.

ClinVar aggregate classification (germline): Uncertain significance (1 of 4 stars; one submission).

Conditions:
Short-rib thoracic dysplasia 6 with or without polydactyly (SRTD6). Also called: Majewski Syndrome; SHORT RIB-POLYDACTYLY SYNDROME, TYPE IIA; POLYDACTYLY WITH NEONATAL CHONDRODYSTROPHY, TYPE II; SHORT-RIB THORACIC DYSPLASIA 6 WITH POLYDACTYLY; SHORT-RIB THORACIC DYSPLASIA 6 WITHOUT POLYDACTYLY. Identifiers: MedGen C0024507, MONDO:0009894, OMIM 263520.

Allele frequency attached by ClinVar (database versions not stated): gnomAD exomes below 0.00001; gnomAD 0.00001; ExAC 0.00002; 1000 Genomes Project 0.00020; 1000 Genomes Project 30x 0.00031.
gnomAD v4.1: 2 of 1,591,858 alleles (0.00013%); highest among the groups gnomAD compares: Admixed American, 0.0018%; no homozygotes.

Submission:

Labcorp Genetics (formerly Invitae), Labcorp
Classification: Uncertain significance for Short-rib thoracic dysplasia 6 with or without polydactyly. Last evaluated: 2025-11-11. Review status: criteria provided, single submitter. Criteria: Invitae Variant Classification Sherloc (09022015). Collection method: clinical testing. Allele origin: germline.
Comment: This sequence change replaces lysine, which is basic and polar, with glutamic acid, which is acidic and polar, at codon 578 of the NEK1 protein (p.Lys578Glu). The frequency data for this variant in the population databases is considered unreliable, as metrics indicate poor data quality at this position in the gnomAD database. This variant has not been reported in the literature in individuals affected with NEK1-related conditions. ClinVar contains an entry for this variant (Variation ID: 2146569). Invitae Evidence Modeling of protein sequence and biophysical properties (such as structural, functional, and spatial information, amino acid conservation, physicochemical variation, residue mobility, and thermodynamic stability) indicates that this missense variant is expected to disrupt NEK1 protein function with a positive predictive value of 80%. In summary, the available evidence is currently insufficient to determine the role of this variant in disease. Therefore, it has been classified as a Variant of Uncertain Significance.